The following is an entry in ClinVar:

ClinVar aggregate classification (germline): Uncertain significance (1 of 4 stars; one submission).

Conditions:
KBG syndrome (KBGS). Also called: ANKRD11-Related KBG Syndrome. Identifiers: Orphanet 2332, MedGen C0220687, MONDO:0007846, OMIM 148050.

gnomAD v4.1: 2 of 1,592,790 alleles (0.00013%); highest among the groups gnomAD compares: East Asian, 0.0045%; no homozygotes.

Submission:

Labcorp Genetics (formerly Invitae), Labcorp
Classification: Uncertain significance for KBG syndrome. Last evaluated: 2024-04-25. Review status: criteria provided, single submitter. Criteria: Invitae Variant Classification Sherloc (09022015). Collection method: clinical testing. Allele origin: germline.
Comment: This sequence change replaces aspartic acid, which is acidic and polar, with alanine, which is neutral and non-polar, at codon 2078 of the ANKRD11 protein (p.Asp2078Ala). This variant is not present in population databases (gnomAD no frequency). This variant has not been reported in the literature in individuals affected with ANKRD11-related conditions. Advanced modeling of protein sequence and biophysical properties (such as structural, functional, and spatial information, amino acid conservation, physicochemical variation, residue mobility, and thermodynamic stability) performed at Invitae indicates that this missense variant is not expected to disrupt ANKRD11 protein function with a negative predictive value of 95%. In summary, the available evidence is currently insufficient to determine the role of this variant in disease. Therefore, it has been classified as a Variant of Uncertain Significance.

NM_013275.6(ANKRD11):c.6233A>C (p.Asp2078Ala)

Gene: ANKRD11 (ankyrin repeat domain 11; minus strand). Cytogenetic location: 16q24.3.
Variant type: single nucleotide variant.
Coding change: c.6233A>C on transcript NM_013275.6 (MANE Select); coding-DNA position 6233, A replaced by C.
Protein change: p.Asp2078Ala; replaces aspartic acid 2078 with alanine.
Molecular consequence: missense variant.
Genome position (GRCh38, 1-based): chr16:89,280,309, T>G on the plus strand (A>C on the coding strand, the complement: ANKRD11 is on the minus strand). VCF-style: chr16-89280309-T-G. GRCh37 (hg19) VCF-style: chr16-89346717-T-G.
Other names: c.6233A>C, p.Asp2078Ala (NM_001256182.2, NM_001256183.2); short protein forms D2078A.
Identifiers: ClinVar variation 3701465 (VCV003701465.2).